The following is an entry in ClinVar:

ClinVar aggregate classification (germline): Likely pathogenic (1 of 4 stars; one submission).

Conditions:
COL11A1-related disorder. Also called: COL11A1-related condition; COL11A1-related disorders.

Submission:

PreventionGenetics, part of Exact Sciences
Classification: Likely pathogenic for COL11A1-related condition. Last evaluated: 2026-04-08. Review status: criteria provided, single submitter. Criteria: ACMG Guidelines, 2015. Collection method: clinical testing. Allele origin: germline.
Comment: The COL11A1 c.4086+2T>A variant is predicted to disrupt the GT donor site and interfere with normal splicing. To our knowledge, this variant has not been reported in the literature. An alternate variant affecting this same splice site (c.4086+1G>A) has been reported in an individual with Marshall/Stickler syndrome phenotypes (reported as G+1IVS54>A, Annunen et al. 1999. PubMed ID: 10486316). This variant is absent in a large population database (gnomAD), indicating this variant is rare. Note that skipping of this exon 54 is predicted to be in-frame and result in deletion of <10% of the encoded protein; however, exon 54 is included in the region that encodes for the triple helical domain of the COL11A1 protein which is a hotspot for such splicing variants (Annunen et al. 1999. PubMed ID: 10486316; Poulson et al. 2004. PubMed ID: 15286167; Majava et al. 2007. PubMed ID: 17236192). This variant is interpreted as likely pathogenic for autosomal dominant disease.

NM_001854.4(COL11A1):c.4086+2T>A

Gene: COL11A1 (collagen type XI alpha 1 chain; minus strand). Cytogenetic location: 1p21.1.
Variant type: single nucleotide variant.
Coding change: c.4086+2T>A on transcript NM_001854.4 (MANE Select); the canonical splice donor site of the intron after coding-DNA position 4086, T replaced by A.
Molecular consequence: splice donor variant.
Genome position (GRCh38, 1-based): chr1:102,912,157, A>T on the plus strand (T>A on the coding strand, the complement: COL11A1 is on the minus strand). VCF-style: chr1-102912157-A-T. GRCh37 (hg19) VCF-style: chr1-103377713-A-T.
Other names: c.3969+2T>A (NM_001190709.2); c.4122+2T>A (NM_080629.3); c.3738+2T>A (NM_080630.4).
Identifiers: ClinVar variation 4996510 (VCV004996510.1).